The following is an entry in ClinVar:

NM_000179.3(MSH6):c.267C>G (p.Asp89Glu)

Gene: MSH6 (mutS homolog 6; plus strand). Cytogenetic location: 2p16.3.
Variant type: single nucleotide variant.
Coding change: c.267C>G on transcript NM_000179.3 (MANE Select); coding-DNA position 267, C replaced by G.
Protein change: p.Asp89Glu; replaces aspartic acid 89 with glutamic acid.
Molecular consequence: missense variant. On other transcripts: 5 prime UTR variant (2), intron variant (1).
Genome position (GRCh38, 1-based): chr2:47,790,933, C>G. VCF-style: chr2-47790933-C-G. GRCh37 (hg19) VCF-style: chr2-48018072-C-G.
Other names: c.-470C>G (NM_001281493.2); c.-636C>G (NM_001281494.2); c.237+7463C>G (NM_001281492.2); short protein forms D89E.
Identifiers: ClinVar variation 220279 (VCV000220279.32), dbSNP rs762818044, ClinGen allele CA069427.
Genomic context (GRCh38, chr2:47,790,933, plus strand): 5'-TTAAGGAAACTTGACCAAATATTAACTAAGTTATGTATTTCCTTTTGGCAACAGTTGTGA[C>G]TTCTCACCAGGAGATTTGGTTTGGGCCAAGATGGAGGGTTACCCCTGGTGGCCTTGTCTG-3'
Protein context (NP_000170.1, residues 79-99): SVAPAAPTSC[Asp89Glu]FSPGDLVWAK

ClinVar aggregate classification (germline): Conflicting classifications of pathogenicity. Review status: criteria provided, conflicting classifications (1 of 4 stars). 10 submissions from 10 submitters: Uncertain significance (7); Likely benign (2). 1 of the submissions does not count toward it. Last evaluated 2026-08-13.

Conditions:
Hereditary nonpolyposis colorectal neoplasms. Identifiers: MedGen C0009405, MeSH D003123.
Hereditary cancer-predisposing syndrome. Also called: Tumor predisposition; Neoplastic Syndromes, Hereditary; Hereditary Cancer Syndrome; Hereditary neoplastic syndrome. Identifiers: Orphanet 140162, MedGen C0027672, MeSH D009386, MONDO:0015356.
Lynch syndrome. Identifiers: Orphanet 144, MedGen C4552100, MONDO:0005835. Disease mechanism: loss of function.
Lynch syndrome 5 (LYNCH5). Also called: Colorectal cancer, hereditary nonpolyposis, type 5; Hereditary non-polyposis colorectal cancer, type 5. Identifiers: Orphanet 144, MedGen C1833477, MONDO:0013710, OMIM 614350. Disease mechanism: loss of function.

Allele frequency attached by ClinVar (database versions not stated): ExAC 0.00002; gnomAD 0.00001; gnomAD exomes below 0.00001.
gnomAD v4.1: 6 of 1,614,084 alleles (0.00037%); highest among the groups gnomAD compares: Non-Finnish European, 0.00051%; no homozygotes.

Submissions (10):

Ambry Genetics
Classification: Likely benign for Hereditary cancer-predisposing syndrome. Last evaluated: 2026-08-13. Review status: criteria provided, single submitter. Criteria: Ambry Variant Classification Scheme 2023. Collection method: clinical testing. Allele origin: germline.

Labcorp Genetics (formerly Invitae), Labcorp
Classification: Likely benign for Hereditary nonpolyposis colorectal neoplasms. Last evaluated: 2025-12-15. Review status: criteria provided, single submitter. Criteria: Invitae Variant Classification Sherloc (09022015). Collection method: clinical testing. Allele origin: germline.

All of Us Research Program, National Institutes of Health
Classification: Uncertain significance for Lynch syndrome. Last evaluated: 2024-07-29. Review status: criteria provided, single submitter. Criteria: ACMG Guidelines, 2015. Collection method: clinical testing. Allele origin: germline. Inheritance: Autosomal dominant inheritance. Observed: 3 variant alleles, 3 heterozygotes.
Comment: This missense variant replaces aspartic acid with glutamic acid at codon 89 of the MSH6 protein. Computational prediction suggests that this variant may not impact protein structure and function (internally defined REVEL score threshold <= 0.5, PMID: 27666373). To our knowledge, functional studies have not been reported for this variant. In a large breast cancer case-control study, this variant was observed in 2/60466 cases and 2/53461 unaffected controls (PMID: 33471991). This variant has been identified in 1/251466 chromosomes in the general population by the Genome Aggregation Database (gnomAD). The available evidence is insufficient to determine the role of this variant in disease conclusively. Therefore, this variant is classified as a Variant of Uncertain Significance.

This study involves interpretation of variants in research participants for the purpose of population health screening. Participant phenotype was not available at the time of variant classification. Additional details can be found in publication PMID: 35346344, PMCID: PMC8962531

Color Diagnostics, LLC DBA Color Health
Classification: Uncertain significance for Hereditary cancer-predisposing syndrome. Last evaluated: 2024-05-29. Review status: criteria provided, single submitter. Criteria: ACMG Guidelines, 2015. Collection method: clinical testing. Allele origin: germline.
Comment: This missense variant replaces aspartic acid with glutamic acid at codon 89 of the MSH6 protein. Computational prediction suggests that this variant may not impact protein structure and function (internally defined REVEL score threshold <= 0.5, PMID: 27666373). To our knowledge, functional studies have not been reported for this variant. In a large breast cancer case-control study, this variant was observed in 2/60466 cases and 2/53461 unaffected controls (PMID: 33471991). This variant has been identified in 1/251466 chromosomes in the general population by the Genome Aggregation Database (gnomAD). The available evidence is insufficient to determine the role of this variant in disease conclusively. Therefore, this variant is classified as a Variant of Uncertain Significance.

GeneDx
Classification: Uncertain significance. Last evaluated: 2024-05-24. Review status: criteria provided, single submitter. Criteria: GeneDx Variant Classification Process June 2021. Collection method: clinical testing. Allele origin: germline. Affected: yes.
Comment: Not observed at significant frequency in large population cohorts (gnomAD); In silico analysis indicates that this missense variant does not alter protein structure/function; Observed in both cases and controls in a breast cancer case-control study (PMID: 33471991); This variant is associated with the following publications: (PMID: 33471991)

Quest Diagnostics Nichols Institute San Juan Capistrano
Classification: Uncertain significance. Last evaluated: 2023-06-28. Review status: criteria provided, single submitter. Criteria: Quest Diagnostics criteria. Collection method: clinical testing. Allele origin: unknown.
Comment: In a large-scale breast cancer association study, the variant was observed in an individual with breast cancer as well as in an unaffected control individual (PMID: 33471991 (2021), see also LOVD). The frequency of this variant in the general population, 0.000004 (1/251466 chromosomes (Genome Aggregation Database)), is uninformative in the assessment of its pathogenicity. Analysis of this variant using bioinformatics tools for the prediction of the effect of amino acid changes on protein structure and function yielded predictions that this variant is benign. Based on the available information, we are unable to determine the clinical significance of this variant.

Blueprint Genetics
Classification: Uncertain significance. Last evaluated: 2023-05-03. Review status: criteria provided, single submitter. Criteria: ACMG Guidelines, 2015. Collection method: clinical testing. Allele origin: germline.

Myriad Genetics, Inc.
Classification: Uncertain significance for Lynch syndrome 5. Last evaluated: 2023-03-27. Review status: criteria provided, single submitter. Criteria: Myriad Autosomal Dominant, Autosomal Recessive and X-Linked Classification Criteria (2023). Collection method: clinical testing. Allele origin: unknown.
Comment: This variant is classified as a variant of uncertain significance as there is insufficient evidence to determine its impact on protein function and/or cancer risk.

Women's Health and Genetics/Laboratory Corporation of America, LabCorp
Classification: Uncertain significance. Last evaluated: 2016-05-09. Review status: criteria provided, single submitter. Criteria: LabCorp Variant Classification Summary - May 2015. Collection method: clinical testing. Allele origin: germline.
Comment: Variant summary: The MSH6 c.267C>G (p.Asp89Glu) variant involves the alteration of a non-conserved nucleotide with 3/3 in silico tools ((SNPs&GO and MutationTaster not captured due to low reliability index and p-value, respectively) predicting a benign outcome, although these predictions have yet to be functionally assessed. This variant was observed in the large, broad control population, ExAC, with an allele frequency of 2/121386 (1/60693, allele frequency 0.0000165), which does not exceed the estimated maximal expected allele frequency for a pathogenic MSH6 variant of 1/7037 (allele frequency: 0.0001421). The variant of interest has not, to our knowledge, been reported in affected individuals via publications and/or reputable databases/clinical diagnostic laboratories. Because of the absence of clinical information and the lack of functional studies, the variant of interest has been classified as a "Variant of Uncertain Significance (VUS)," until additional information becomes available.

Counsyl
Classification: Uncertain significance for Lynch syndrome 5. Last evaluated: 2017-09-26. Review status: no assertion criteria provided. Collection method: clinical testing. Allele origin: unknown. Not counted in ClinVar's aggregate classification.

Literature cited by the submitters: PubMed 33471991 (cited by 4 submitters).